The following is an entry in ClinVar:

ClinVar aggregate classification (germline): Likely benign (0 of 4 stars; one submission).

Conditions:
SH2B1-related disorder. Also called: SH2B1-related condition.

Submission:

PreventionGenetics, part of Exact Sciences
Classification: Likely benign for SH2B1-related condition. Last evaluated: 2023-12-27. Review status: no assertion criteria provided. Collection method: clinical testing. Allele origin: germline.
Comment: This variant is classified as likely benign based on ACMG/AMP sequence variant interpretation guidelines (Richards et al. 2015 PMID: 25741868, with internal and published modifications).

NM_001387430.1(SH2B1):c.993A>G (p.Thr331=)

Gene: SH2B1 (SH2B adaptor protein 1; plus strand). Cytogenetic location: 16p11.2.
Variant type: single nucleotide variant.
Coding change: c.993A>G on transcript NM_001387430.1 (MANE Select); coding-DNA position 993, A replaced by G.
Protein change: p.Thr331=; no amino-acid change (threonine 331 retained).
Molecular consequence: synonymous variant. On other transcripts: 5 prime UTR variant (1).
Genome position (GRCh38, 1-based): chr16:28,867,384, A>G. VCF-style: chr16-28867384-A-G. GRCh37 (hg19) VCF-style: chr16-28878705-A-G.
Other names: c.993A>G, p.Thr331= (NM_001145795.2, NM_001145796.2, NM_001145797.2 and 4 more transcripts); c.-16A>G (NM_001308294.2).
Identifiers: ClinVar variation 3348179 (VCV003348179.1).
Genomic context (GRCh38, chr16:28,867,384, plus strand): 5'-GACTTAGGCCTCTCGGCCCCGACTCAGCATCCCCTGCTCTTCTATCACAGACGTCCGGAC[A>G]ACCACAGCCCTGGAGATGCCTGACCGGGAGAACACGTTTGTGGTTAAGGTAGGAATTCAA-3'
Protein context (NP_001374359.1, residues 321-341): IPCSSITDVR[Thr331=]TTALEMPDRE